The following is an entry in ClinVar:

NM_001048174.2(MUTYH):c.213C>G (p.Ser71Arg)

Gene: MUTYH (mutY DNA glycosylase; minus strand). Cytogenetic location: 1p34.1.
Variant type: single nucleotide variant.
Coding change: c.213C>G on transcript NM_001048174.2 (MANE Select); coding-DNA position 213, C replaced by G.
Protein change: p.Ser71Arg; replaces serine 71 with arginine.
Molecular consequence: missense variant. On other transcripts: 5 prime UTR variant (4), non-coding transcript variant (2).
Genome position (GRCh38, 1-based): chr1:45,333,464, G>C on the plus strand (C>G on the coding strand, the complement: MUTYH is on the minus strand). VCF-style: chr1-45333464-G-C. GRCh37 (hg19) VCF-style: chr1-45799136-G-C.
Other names: c.213C>G, p.Ser71Arg (NM_001048171.2, NM_001048173.2, NM_001293195.2); c.216C>G, p.Ser72Arg (NM_001048172.2); c.297C>G, p.Ser99Arg (NM_001128425.2); c.258C>G, p.Ser86Arg (NM_001293190.2); c.246C>G, p.Ser82Arg (NM_001293191.2); c.-64C>G (NM_001293192.2, NM_001293196.2); c.-59C>G (NM_001350650.2, NM_001350651.2); c.288C>G, p.Ser96Arg (NM_012222.3); short protein forms S99R, S96R, S72R, S71R, S82R, S86R.
Identifiers: ClinVar variation 481790 (VCV000481790.23), dbSNP rs752209909, ClinGen allele CA057259.

ClinVar aggregate classification (germline): Uncertain significance. Review status: criteria provided, multiple submitters, no conflicts (2 of 4 stars). 5 submissions from 5 submitters: Uncertain significance (5). Last evaluated 2025-11-23.

Conditions:
Hereditary cancer-predisposing syndrome. Also called: Hereditary neoplastic syndrome; Hereditary Cancer Syndrome; Neoplastic Syndromes, Hereditary; Tumor predisposition. Identifiers: Orphanet 140162, MedGen C0027672, MeSH D009386, MONDO:0015356.
Familial adenomatous polyposis 2. Also called: MYH-associated polyposis; COLORECTAL ADENOMATOUS POLYPOSIS, AUTOSOMAL RECESSIVE; ADENOMAS, MULTIPLE COLORECTAL, AUTOSOMAL RECESSIVE; MUTYH-related attenuated familial adenomatous polyposis; Adenomas, multiple colorectal; FAP type 2. Identifiers: Orphanet 220460, Orphanet 247798, MedGen C3272841, MONDO:0012041, OMIM 608456.

Allele frequency attached by ClinVar (database versions not stated): gnomAD exomes 0.00004; ExAC 0.00005; TOPMed 0.00001; gnomAD 0.00002.
gnomAD v4.1: 20 of 1,614,076 alleles (0.0012%); highest among the groups gnomAD compares: South Asian, 0.0033%; no homozygotes.

Submissions (5):

Women's Health and Genetics/Laboratory Corporation of America, LabCorp
Classification: Uncertain significance. Last evaluated: 2025-11-23. Review status: criteria provided, single submitter. Criteria: LabCorp Variant Classification Summary - May 2015. Collection method: clinical testing. Allele origin: germline.

Ambry Genetics
Classification: Uncertain significance for Hereditary cancer-predisposing syndrome. Last evaluated: 2025-06-11. Review status: criteria provided, single submitter. Criteria: Ambry Variant Classification Scheme 2023. Collection method: clinical testing. Allele origin: germline.
Comment: The p.S99R variant (also known as c.297C>G), located in coding exon 3 of the MUTYH gene, results from a C to G substitution at nucleotide position 297. The serine at codon 99 is replaced by arginine, an amino acid with dissimilar properties. This amino acid position is not well conserved in available vertebrate species, and arginine is the reference amino acid in other vertebrate species. In addition, this alteration is predicted to be tolerated by in silico analysis. Based on the available evidence, the clinical significance of this alteration remains unclear.

Labcorp Genetics (formerly Invitae), Labcorp
Classification: Uncertain significance for Familial adenomatous polyposis 2. Last evaluated: 2024-05-01. Review status: criteria provided, single submitter. Criteria: Invitae Variant Classification Sherloc (09022015). Collection method: clinical testing. Allele origin: germline.
Comment: This sequence change replaces serine, which is neutral and polar, with arginine, which is basic and polar, at codon 99 of the MUTYH protein (p.Ser99Arg). This variant is present in population databases (rs752209909, gnomAD 0.02%). This variant has not been reported in the literature in individuals affected with MUTYH-related conditions. ClinVar contains an entry for this variant (Variation ID: 481790). Algorithms developed to predict the effect of missense changes on protein structure and function output the following: SIFT: "Not Available"; PolyPhen-2: "Benign"; Align-GVGD: "Not Available". The arginine amino acid residue is found in multiple mammalian species, which suggests that this missense change does not adversely affect protein function. In summary, the available evidence is currently insufficient to determine the role of this variant in disease. Therefore, it has been classified as a Variant of Uncertain Significance.

Color Diagnostics, LLC DBA Color Health
Classification: Uncertain significance for Hereditary cancer-predisposing syndrome. Last evaluated: 2023-12-05. Review status: criteria provided, single submitter. Criteria: ACMG Guidelines, 2015. Collection method: clinical testing. Allele origin: germline.
Comment: This missense variant replaces serine with arginine at codon 99 of the MUTYH protein. Computational prediction suggests that this variant may not impact protein structure and function (internally defined REVEL score threshold <= 0.5, PMID: 27666373). To our knowledge, functional studies have not been reported for this variant. This variant has not been reported in individuals affected with MUTYH-related disorders in the literature. This variant has been identified in 11/282874 chromosomes in the general population by the Genome Aggregation Database (gnomAD). The available evidence is insufficient to determine the role of this variant in disease conclusively. Therefore, this variant is classified as a Variant of Uncertain Significance.

GeneDx
Classification: Uncertain significance. Last evaluated: 2023-07-24. Review status: criteria provided, single submitter. Criteria: GeneDx Variant Classification Process June 2021. Collection method: clinical testing. Allele origin: germline. Affected: yes.
Comment: In silico analysis supports that this missense variant does not alter protein structure/function; Has not been previously published as pathogenic or benign to our knowledge